The following is an entry in ClinVar:

ClinVar aggregate classification (germline): Uncertain significance. Review status: criteria provided, multiple submitters, no conflicts (2 of 4 stars). 2 submissions from 2 submitters: Uncertain significance (2). Last evaluated 2025-02-03.

Conditions:
DOCK2 deficiency. Also called: Immunodeficiency 40. Identifiers: Orphanet 447737, MedGen C4225328, MONDO:0014637, OMIM 616433.
Inborn genetic diseases. Identifiers: MedGen C0950123, MeSH D030342.

Allele frequency attached by ClinVar (database versions not stated): gnomAD exomes below 0.00001; TOPMed 0.00002.
gnomAD v4.1: 2 of 1,614,188 alleles (0.00012%); highest among the groups gnomAD compares: African/African-American, 0.0013%; no homozygotes.

Submissions (2):

Ambry Genetics
Classification: Uncertain significance for Inborn genetic diseases. Last evaluated: 2025-02-03. Review status: criteria provided, single submitter. Criteria: Ambry Variant Classification Scheme 2023. Collection method: clinical testing. Allele origin: germline.

Labcorp Genetics (formerly Invitae), Labcorp
Classification: Uncertain significance for DOCK2 deficiency. Last evaluated: 2021-11-06. Review status: criteria provided, single submitter. Criteria: Invitae Variant Classification Sherloc (09022015). Collection method: clinical testing. Allele origin: germline.
Comment: This sequence change replaces isoleucine, which is neutral and non-polar, with valine, which is neutral and non-polar, at codon 253 of the DOCK2 protein (p.Ile253Val). This variant is present in population databases (no rsID available, gnomAD 0.0009%). This variant has not been reported in the literature in individuals affected with DOCK2-related conditions. Algorithms developed to predict the effect of missense changes on protein structure and function are either unavailable or do not agree on the potential impact of this missense change (SIFT: "Tolerated"; PolyPhen-2: "Possibly Damaging"; Align-GVGD: "Class C0"). Algorithms developed to predict the effect of sequence changes on RNA splicing suggest that this variant may create or strengthen a splice site. In summary, the available evidence is currently insufficient to determine the role of this variant in disease. Therefore, it has been classified as a Variant of Uncertain Significance.

NM_004946.3(DOCK2):c.757A>G (p.Ile253Val)

Gene: DOCK2 (dedicator of cytokinesis 2; plus strand). Cytogenetic location: 5q35.1.
Variant type: single nucleotide variant.
Coding change: c.757A>G on transcript NM_004946.3 (MANE Select); coding-DNA position 757, A replaced by G.
Protein change: p.Ile253Val; replaces isoleucine 253 with valine.
Molecular consequence: missense variant. On other transcripts: non-coding transcript variant (1).
Genome position (GRCh38, 1-based): chr5:169,684,346, A>G. VCF-style: chr5-169684346-A-G. GRCh37 (hg19) VCF-style: chr5-169111350-A-G.
Other names: c.757A>G (NM_004946.2); short protein forms I253V.
Identifiers: ClinVar variation 1473682 (VCV001473682.4), dbSNP rs1323750445, ClinGen allele CA362103792.